The following is an entry in ClinVar:

ClinVar aggregate classification (germline): Uncertain significance (1 of 4 stars; one submission).

Allele frequency attached by ClinVar (database versions not stated): TOPMed below 0.00001.
gnomAD v4.1: 2 of 1,368,026 alleles (0.00015%); highest among the groups gnomAD compares: South Asian, 0.0017%; no homozygotes.

Submission:

Ambry Genetics
Classification: Uncertain significance. Last evaluated: 2021-12-06. Review status: criteria provided, single submitter. Criteria: Ambry Variant Classification Scheme 2023. Collection method: clinical testing. Allele origin: germline.
Comment: The c.530G>A (p.S177N) alteration is located in exon (coding exon ) of the SH3RF3 gene. This alteration results from a G to A substitution at nucleotide position 530, causing the serine (S) at amino acid position 177 to be replaced by an asparagine (N). Based on insufficient or conflicting evidence, the clinical significance of this alteration remains unclear.

NM_001099289.3(SH3RF3):c.530G>A (p.Ser177Asn)

Genes: RANBP2 (RAN binding protein 2; plus strand), SH3RF3 (SH3 domain containing ring finger 3; plus strand), SH3RF3-AS1 (SH3RF3 antisense RNA 1; minus strand). Cytogenetic location: 2q13.
Variant type: single nucleotide variant.
Coding change: c.530G>A on transcript NM_001099289.3 (MANE Select); coding-DNA position 530, G replaced by A.
Protein change: p.Ser177Asn; replaces serine 177 with asparagine.
Molecular consequence: missense variant. On other transcripts: non-coding transcript variant (1).
Genome position (GRCh38, 1-based): chr2:109,130,070, G>A. VCF-style: chr2-109130070-G-A. GRCh37 (hg19) VCF-style: chr2-109746526-G-A.
Other names: short protein forms S177N.
Identifiers: ClinVar variation 2264789 (VCV002264789.2), dbSNP rs1676651204, ClinGen allele CA348118900.